The following is an entry in ClinVar:

ClinVar aggregate classification (germline): Uncertain significance (1 of 4 stars; one submission).

Conditions:
Familial thoracic aortic aneurysm and aortic dissection (TAAD). Also called: Thoracic aortic aneurysms and dissections. Identifiers: Orphanet 91387, MedGen C4707243, MONDO:0019625.

Submission:

Labcorp Genetics (formerly Invitae), Labcorp
Classification: Uncertain significance for Familial thoracic aortic aneurysm and aortic dissection. Last evaluated: 2025-06-09. Review status: criteria provided, single submitter. Criteria: Invitae Variant Classification Sherloc (09022015). Collection method: clinical testing. Allele origin: germline.
Comment: This sequence change falls in intron 1 of the TGFBR1 gene. It does not directly change the encoded amino acid sequence of the TGFBR1 protein. This variant is not present in population databases (gnomAD no frequency). This variant has not been reported in the literature in individuals affected with TGFBR1-related conditions. Algorithms developed to predict the effect of sequence changes on RNA splicing suggest that this variant may disrupt the consensus splice site. In summary, the available evidence is currently insufficient to determine the role of this variant in disease. Therefore, it has been classified as a Variant of Uncertain Significance.

NM_004612.4(TGFBR1):c.98-14_98-11del

Gene: TGFBR1 (transforming growth factor beta receptor 1; plus strand). Cytogenetic location: 9q22.33.
Variant type: Deletion.
Coding change: c.98-14_98-11del on transcript NM_004612.4 (MANE Select); 14 bases into the intron before coding-DNA position 98 through 11 bases into the intron before coding-DNA position 98, 4 bases deleted (TTCT; older notation c.98-14_98-11delTTCT).
Molecular consequence: intron variant.
Genome position (GRCh38, 1-based): chr9:99,128,841-99,128,844, TTCT deleted; deleting any 4 consecutive bases within chr9:99,128,838-99,128,844 gives the same sequence; the c. name uses the placement nearest the transcript's 3' end. VCF-style (leftmost placement, unchanged base first): chr9-99128837-ATCTT-A. GRCh37 (hg19) VCF-style: chr9-101891119-ATCTT-A.
Other names: c.-110-14_-110-11del (NM_001407426.1, NM_001407428.1, NM_001407420.1 and 12 more transcripts); c.98-14_98-11del (NM_001407417.1, NM_001407435.1, NM_001130916.3 and 2 more transcripts); c.98-3668_98-3665del (NM_001407436.1); c.98-9018_98-9015del (NM_001407438.1); c.98-13695_98-13692del (NM_001407437.1).
Identifiers: ClinVar variation 4720628 (VCV004720628.1).